The following is an entry in ClinVar:

ClinVar aggregate classification (germline): Uncertain significance (1 of 4 stars; one submission).

Conditions:
Congenital myasthenic syndrome 8. Also called: MYASTHENIC SYNDROME, CONGENITAL, DUE TO AGRIN DEFICIENCY; Myasthenic syndrome, congenital, 8, with pre- and postsynaptic defects. Identifiers: Orphanet 590, MedGen C3808739, MONDO:0014052, OMIM 615120.

Submission:

Labcorp Genetics (formerly Invitae), Labcorp
Classification: Uncertain significance for Congenital myasthenic syndrome 8. Last evaluated: 2020-11-17. Review status: criteria provided, single submitter. Criteria: Invitae Variant Classification Sherloc (09022015). Collection method: clinical testing. Allele origin: germline.
Comment: This variant is not present in population databases (ExAC no frequency). In summary, the available evidence is currently insufficient to determine the role of this variant in disease. Therefore, it has been classified as a Variant of Uncertain Significance. Algorithms developed to predict the effect of missense changes on protein structure and function are either unavailable or do not agree on the potential impact of this missense change (SIFT: "Tolerated"; PolyPhen-2: "Possibly Damaging"; Align-GVGD: "Class C0"). This variant has not been reported in the literature in individuals with AGRN-related conditions. This sequence change replaces alanine with aspartic acid at codon 1213 of the AGRN protein (p.Ala1213Asp). The alanine residue is weakly conserved and there is a moderate physicochemical difference between alanine and aspartic acid.

NM_198576.4(AGRN):c.3638C>A (p.Ala1213Asp)

Gene: AGRN (agrin; plus strand). Cytogenetic location: 1p36.33.
Variant type: single nucleotide variant.
Coding change: c.3638C>A on transcript NM_198576.4 (MANE Select); coding-DNA position 3638, C replaced by A.
Protein change: p.Ala1213Asp; replaces alanine 1213 with aspartic acid.
Molecular consequence: missense variant.
Genome position (GRCh38, 1-based): chr1:1,047,782, C>A. VCF-style: chr1-1047782-C-A. GRCh37 (hg19) VCF-style: chr1-983162-C-A.
Other names: c.3638C>A, p.Ala1213Asp (NM_001305275.2); c.3323C>A, p.Ala1108Asp (NM_001364727.2); short protein forms A1108D, A1213D.
Identifiers: ClinVar variation 1490925 (VCV001490925.6), dbSNP rs2100665678, ClinGen allele CA337851173.